The following is an entry in ClinVar:

NM_001852.4(COL9A2):c.1369-2A>G

Gene: COL9A2 (collagen type IX alpha 2 chain; minus strand). Cytogenetic location: 1p34.2.
Variant type: single nucleotide variant.
Coding change: c.1369-2A>G on transcript NM_001852.4 (MANE Select); the canonical splice acceptor site of the intron before coding-DNA position 1369, A replaced by G.
Molecular consequence: splice acceptor variant.
Genome position (GRCh38, 1-based): chr1:40,303,841, T>C on the plus strand (A>G on the coding strand, the complement: COL9A2 is on the minus strand). VCF-style: chr1-40303841-T-C. GRCh37 (hg19) VCF-style: chr1-40769513-T-C.
Identifiers: ClinVar variation 2048335 (VCV002048335.4), dbSNP rs1263204205, ClinGen allele CA339879504.

ClinVar aggregate classification (germline): Uncertain significance (1 of 4 stars; one submission).

Allele frequency attached by ClinVar (database versions not stated): TOPMed 0.00001.
gnomAD v4.1: 3 of 1,556,996 alleles (0.00019%); highest among the groups gnomAD compares: Non-Finnish European, 0.00026%; no homozygotes.

Submission:

Labcorp Genetics (formerly Invitae), Labcorp
Classification: Uncertain significance. Last evaluated: 2025-03-10. Review status: criteria provided, single submitter. Criteria: Invitae Variant Classification Sherloc (09022015). Collection method: clinical testing. Allele origin: germline.
Comment: This sequence change affects an acceptor splice site in intron 26 of the COL9A2 gene. It is expected to disrupt RNA splicing. Variants that disrupt the donor or acceptor splice site typically lead to a loss of protein function (PMID: 16199547), however it is unknown whether splice variants in this region will result in a loss of function. This variant is not present in population databases (gnomAD no frequency). This variant has not been reported in the literature in individuals affected with COL9A2-related conditions. ClinVar contains an entry for this variant (Variation ID: 2048335). Algorithms developed to predict the effect of sequence changes on RNA splicing suggest that this variant may disrupt the consensus splice site. In summary, the available evidence is currently insufficient to determine the role of this variant in disease. Therefore, it has been classified as a Variant of Uncertain Significance.

Literature cited by the submitters: PubMed 16199547.